The following is an entry in ClinVar:

NM_053025.4(MYLK):c.5110A>G (p.Met1704Val)

Genes: MYLK (myosin light chain kinase; minus strand), MYLK-AS1 (MYLK antisense RNA 1; plus strand), LOC126806791 (MED14-independent group 3 enhancer GRCh37_chr3:123347871-123349070; plus strand). Cytogenetic location: 3q21.1.
Variant type: single nucleotide variant.
Coding change: c.5110A>G on transcript NM_053025.4 (MANE Select); coding-DNA position 5110, A replaced by G.
Protein change: p.Met1704Val; replaces methionine 1704 with valine.
Molecular consequence: missense variant. On other transcripts: intron variant (2).
Genome position (GRCh38, 1-based): chr3:123,629,478, T>C on the plus strand (A>G on the coding strand, the complement: MYLK is on the minus strand). VCF-style: chr3-123629478-T-C. GRCh37 (hg19) VCF-style: chr3-123348325-T-C.
Other names: c.4582A>G, p.Met1528Val (NM_001321309.2); c.4903A>G, p.Met1635Val (NM_053026.4); c.4755-2537A>G (NM_053028.4); c.4962-2537A>G (NM_053027.4); short protein forms M1528V, M1704V, M1635V.
Identifiers: ClinVar variation 2744043 (VCV002744043.1), dbSNP rs1475180335, ClinGen allele CA354233103.

ClinVar aggregate classification (germline): Uncertain significance (1 of 4 stars; one submission).

Conditions:
Aortic aneurysm, familial thoracic 7 (AAT7). Also called: AORTIC DISSECTION, FAMILIAL, WITH OR WITHOUT AORTIC ANEURYSM. Identifiers: MedGen C3151077, MONDO:0013418, OMIM 613780.

Allele frequency attached by ClinVar (database versions not stated): TOPMed below 0.00001; gnomAD exomes 0.00001.

Submission:

Labcorp Genetics (formerly Invitae), Labcorp
Classification: Uncertain significance for Aortic aneurysm, familial thoracic 7. Last evaluated: 2023-09-24. Review status: criteria provided, single submitter. Criteria: Invitae Variant Classification Sherloc (09022015). Collection method: clinical testing. Allele origin: germline.
Comment: This sequence change replaces methionine, which is neutral and non-polar, with valine, which is neutral and non-polar, at codon 1704 of the MYLK protein (p.Met1704Val). This variant is not present in population databases (gnomAD no frequency). This variant has not been reported in the literature in individuals affected with MYLK-related conditions. Advanced modeling of protein sequence and biophysical properties (such as structural, functional, and spatial information, amino acid conservation, physicochemical variation, residue mobility, and thermodynamic stability) performed at Invitae indicates that this missense variant is not expected to disrupt MYLK protein function. Algorithms developed to predict the effect of sequence changes on RNA splicing suggest that this variant may create or strengthen a splice site. In summary, the available evidence is currently insufficient to determine the role of this variant in disease. Therefore, it has been classified as a Variant of Uncertain Significance.